The following is an entry in ClinVar:

NM_000440.3(PDE6A):c.1728G>A (p.Val576=)

Gene: PDE6A (phosphodiesterase 6A; minus strand). Cytogenetic location: 5q32.
Variant type: single nucleotide variant.
Coding change: c.1728G>A on transcript NM_000440.3 (MANE Select); coding-DNA position 1728, G replaced by A.
Protein change: p.Val576=; no amino-acid change (valine 576 retained).
Molecular consequence: synonymous variant.
Genome position (GRCh38, 1-based): chr5:149,895,183, C>T on the plus strand (G>A on the coding strand, the complement: PDE6A is on the minus strand). VCF-style: chr5-149895183-C-T. GRCh37 (hg19) VCF-style: chr5-149274746-C-T.
Identifiers: ClinVar variation 1427361 (VCV001427361.6), dbSNP rs2113582178, ClinGen allele CA447141334.

ClinVar aggregate classification (germline): Uncertain significance (1 of 4 stars; one submission).

Submission:

Labcorp Genetics (formerly Invitae), Labcorp
Classification: Uncertain significance. Last evaluated: 2024-04-24. Review status: criteria provided, single submitter. Criteria: Invitae Variant Classification Sherloc (09022015). Collection method: clinical testing. Allele origin: germline.
Comment: This sequence change affects codon 576 of the PDE6A mRNA. It is a 'silent' change, meaning that it does not change the encoded amino acid sequence of the PDE6A protein. This variant also falls at the last nucleotide of exon 13, which is part of the consensus splice site for this exon. This variant is not present in population databases (gnomAD no frequency). This variant has not been reported in the literature in individuals affected with PDE6A-related conditions. ClinVar contains an entry for this variant (Variation ID: 1427361). Variants that disrupt the consensus splice site are a relatively common cause of aberrant splicing (PMID: 17576681, 9536098). Algorithms developed to predict the effect of sequence changes on RNA splicing suggest that this variant may disrupt the consensus splice site. In summary, the available evidence is currently insufficient to determine the role of this variant in disease. Therefore, it has been classified as a Variant of Uncertain Significance.

Literature cited by the submitters: PubMed 17576681; PubMed 9536098.